The following is an entry in ClinVar:

ClinVar aggregate classification (germline): Pathogenic (1 of 4 stars; one submission).

Conditions:
Maple syrup urine disease (MSUD). Identifiers: Orphanet 511, MedGen C0024776, MeSH D008375, MONDO:0009563. Disease mechanism: loss of function.

Submission:

Labcorp Genetics (formerly Invitae), Labcorp
Classification: Pathogenic for Maple syrup urine disease. Last evaluated: 2022-01-19. Review status: criteria provided, single submitter. Criteria: Invitae Variant Classification Sherloc (09022015). Collection method: clinical testing. Allele origin: germline.
Comment: For these reasons, this variant has been classified as Pathogenic. This variant disrupts a region of the BCKDHA protein in which other variant(s) (p.Tyr438Asn) have been determined to be pathogenic (PMID: 2703538, 11825067, 12888983, 20136525, 26830710, 28170084). This suggests that this is a clinically significant region of the protein, and that variants that disrupt it are likely to be disease-causing. This variant has not been reported in the literature in individuals affected with BCKDHA-related conditions. This variant is a gross deletion of the genomic region encompassing exon(s) 5-9 of the BCKDHA gene, which includes the termination codon. This deletion extends beyond the assayed region for this gene and therefore may encompass additional genes. While this deletion is not anticipated to lead to nonsense mediated decay, it is expected to alter mRNA translation or result in a truncated protein product.

Literature cited by the submitters: PubMed 2703538; PubMed 11825067; PubMed 12888983; PubMed 20136525; PubMed 26830710; PubMed 28170084.

NC_000019.9:g.(?_41925030)_(41930736_?)del

Gene: BCKDHA (branched chain keto acid dehydrogenase E1 subunit alpha; plus strand). Cytogenetic location: 19q13.2.
Variant type: Deletion.
Identifiers: ClinVar variation 1459942 (VCV001459942.7).